The following is an entry in ClinVar:

NM_004415.4(DSP):c.1441G>A (p.Glu481Lys)

Gene: DSP (desmoplakin; plus strand). Cytogenetic location: 6p24.3.
Variant type: single nucleotide variant.
Coding change: c.1441G>A on transcript NM_004415.4 (MANE Select); coding-DNA position 1441, G replaced by A.
Protein change: p.Glu481Lys; replaces glutamic acid 481 with lysine.
Molecular consequence: missense variant.
Genome position (GRCh38, 1-based): chr6:7,569,207, G>A. VCF-style: chr6-7569207-G-A. GRCh37 (hg19) VCF-style: chr6-7569440-G-A.
Other names: c.1441G>A, p.Glu481Lys (NM_001008844.3, NM_001319034.2); short protein forms E481K.
Identifiers: ClinVar variation 838747 (VCV000838747.8), dbSNP rs1758958794, ClinGen allele CA362677398.

ClinVar aggregate classification (germline): Uncertain significance (1 of 4 stars; one submission).

Conditions:
Arrhythmogenic right ventricular dysplasia 8 (ARVD8). Also called: Arrhythmogenic Right Ventricular Dysplasia/Cardiomyopathy 8; ARRHYTHMOGENIC RIGHT VENTRICULAR DYSPLASIA, FAMILIAL, 8; ARRHYTHMOGENIC RIGHT VENTRICULAR CARDIOMYOPATHY 8. Identifiers: MedGen C1843896, MONDO:0011831, OMIM 607450.
Arrhythmogenic cardiomyopathy with wooly hair and keratoderma. Also called: Arrhythmogenic cardiomyopathy with woolly hair and keratoderma; PALMOPLANTAR KERATODERMA WITH LEFT VENTRICULAR CARDIOMYOPATHY AND WOOLLY HAIR; Carvajal syndrome; Dilated cardiomyopathy with woolly hair and keratoderma. Identifiers: Orphanet 65282, MedGen C1854063, MONDO:0011581, OMIM 605676.

Submission:

Labcorp Genetics (formerly Invitae), Labcorp
Classification: Uncertain significance for Arrhythmogenic cardiomyopathy with wooly hair and keratoderma; Arrhythmogenic right ventricular dysplasia 8. Last evaluated: 2022-11-15. Review status: criteria provided, single submitter. Criteria: Invitae Variant Classification Sherloc (09022015). Collection method: clinical testing. Allele origin: germline.
Comment: In summary, the available evidence is currently insufficient to determine the role of this variant in disease. Therefore, it has been classified as a Variant of Uncertain Significance. Algorithms developed to predict the effect of missense changes on protein structure and function are either unavailable or do not agree on the potential impact of this missense change (SIFT: "Deleterious"; PolyPhen-2: "Probably Damaging"; Align-GVGD: "Class C0"). ClinVar contains an entry for this variant (Variation ID: 838747). This variant has not been reported in the literature in individuals affected with DSP-related conditions. This variant is not present in population databases (gnomAD no frequency). This sequence change replaces glutamic acid, which is acidic and polar, with lysine, which is basic and polar, at codon 481 of the DSP protein (p.Glu481Lys).